The following is an entry in ClinVar:

ClinVar aggregate classification (germline): Uncertain significance (1 of 4 stars; one submission).

Conditions:
Hereditary pancreatitis (PCTT). Also called: Hereditary chronic pancreatitis; PRSS1-Related Hereditary Pancreatitis. Identifiers: Orphanet 676, MedGen C0238339, MONDO:0008185, OMIM 167800.

Submission:

Ambry Genetics
Classification: Uncertain significance for Hereditary pancreatitis. Last evaluated: 2022-08-29. Review status: criteria provided, single submitter. Criteria: Ambry Variant Classification Scheme 2023. Collection method: clinical testing. Allele origin: germline.
Comment: The p.G165R variant (also known as c.493G>A), located in coding exon 5 of the CPA1 gene, results from a G to A substitution at nucleotide position 493. The glycine at codon 165 is replaced by arginine, an amino acid with dissimilar properties. This amino acid position is conserved. In addition, the in silico prediction for this alteration is inconclusive. Since supporting evidence is limited at this time, the clinical significance of this alteration remains unclear.

NM_001868.4(CPA1):c.493G>A (p.Gly165Arg)

Gene: CPA1 (carboxypeptidase A1; plus strand). Cytogenetic location: 7q32.2.
Variant type: single nucleotide variant.
Coding change: c.493G>A on transcript NM_001868.4 (MANE Select); coding-DNA position 493, G replaced by A.
Protein change: p.Gly165Arg; replaces glycine 165 with arginine.
Molecular consequence: missense variant.
Genome position (GRCh38, 1-based): chr7:130,383,400, G>A. VCF-style: chr7-130383400-G-A. GRCh37 (hg19) VCF-style: chr7-130023241-G-A.
Other names: short protein forms G165R.
Identifiers: ClinVar variation 1744262 (VCV001744262.2), dbSNP rs2536008030, ClinGen allele CA369282126.